The following is an entry in ClinVar:

NM_002860.4(ALDH18A1):c.1636T>C (p.Cys546Arg)

Gene: ALDH18A1 (aldehyde dehydrogenase 18 family member A1; minus strand). Cytogenetic location: 10q24.1.
Variant type: single nucleotide variant.
Coding change: c.1636T>C on transcript NM_002860.4 (MANE Select); coding-DNA position 1636, T replaced by C.
Protein change: p.Cys546Arg; replaces cysteine 546 with arginine.
Molecular consequence: missense variant.
Genome position (GRCh38, 1-based): chr10:95,614,131, A>G on the plus strand (T>C on the coding strand, the complement: ALDH18A1 is on the minus strand). VCF-style: chr10-95614131-A-G. GRCh37 (hg19) VCF-style: chr10-97373888-A-G.
Other names: c.1630T>C, p.Cys544Arg (NM_001017423.2, NM_001323415.2); c.1303T>C, p.Cys435Arg (NM_001323412.2, NM_001323416.2); c.1636T>C, p.Cys546Arg (NM_001323413.2, NM_001323414.2); c.1531T>C, p.Cys511Arg (NM_001323417.2); c.1297T>C, p.Cys433Arg (NM_001323418.2); c.1000T>C, p.Cys334Arg (NM_001323419.2); short protein forms C546R, C334R, C511R, C544R, C435R, C433R.
Identifiers: ClinVar variation 392760 (VCV000392760.9), dbSNP rs753157831, ClinGen allele CA5620254.

ClinVar aggregate classification (germline): Uncertain significance. Review status: criteria provided, multiple submitters, no conflicts (2 of 4 stars). 3 submissions from 3 submitters: Uncertain significance (3). Last evaluated 2025-01-22.

Conditions:
Autosomal dominant spastic paraplegia type 9. Identifiers: MedGen C1832669, MONDO:0015091.
de Barsy syndrome. Also called: Cutis laxa-corneal clouding-oligophrenia syndrome. Identifiers: Orphanet 2962, MedGen C0268354, MONDO:0017569.
Cutis laxa, autosomal dominant 3 (ADCL3). Identifiers: Orphanet 90348, MedGen C4225268, MONDO:0014706, OMIM 616603.

Allele frequency attached by ClinVar (database versions not stated): ExAC 0.00001; gnomAD 0.00001; gnomAD exomes 0.00001 and 0.00002; TOPMed 0.00001.
gnomAD v4.1: 21 of 1,614,114 alleles (0.0013%); highest among the groups gnomAD compares: Non-Finnish European, 0.00025%; no homozygotes.

Submissions (3):

Labcorp Genetics (formerly Invitae), Labcorp
Classification: Uncertain significance for Autosomal dominant spastic paraplegia type 9; de Barsy syndrome; Cutis laxa, autosomal dominant 3. Last evaluated: 2025-01-22. Review status: criteria provided, single submitter. Criteria: Invitae Variant Classification Sherloc (09022015). Collection method: clinical testing. Allele origin: germline.
Comment: This sequence change replaces cysteine, which is neutral and slightly polar, with arginine, which is basic and polar, at codon 546 of the ALDH18A1 protein (p.Cys546Arg). This variant is present in population databases (rs753157831, gnomAD 0.04%). This variant has not been reported in the literature in individuals affected with ALDH18A1-related conditions. ClinVar contains an entry for this variant (Variation ID: 392760). Invitae Evidence Modeling of protein sequence and biophysical properties (such as structural, functional, and spatial information, amino acid conservation, physicochemical variation, residue mobility, and thermodynamic stability) indicates that this missense variant is not expected to disrupt ALDH18A1 protein function with a negative predictive value of 95%. In summary, the available evidence is currently insufficient to determine the role of this variant in disease. Therefore, it has been classified as a Variant of Uncertain Significance.

Blueprint Genetics
Classification: Uncertain significance. Last evaluated: 2022-05-06. Review status: criteria provided, single submitter. Criteria: ACMG Guidelines, 2015. Collection method: clinical testing. Allele origin: germline.

GeneDx
Classification: Uncertain significance. Last evaluated: 2021-03-18. Review status: criteria provided, single submitter. Criteria: GeneDx Variant Classification Process June 2021. Collection method: clinical testing. Allele origin: germline. Affected: yes.
Comment: Has not been previously published as pathogenic or benign to our knowledge; In silico analysis supports that this missense variant does not alter protein structure/function